The following is an entry in ClinVar:

NM_001693.4(ATP6V1B2):c.637G>A (p.Val213Ile)

Gene: ATP6V1B2 (ATPase H+ transporting V1 subunit B2; plus strand). Cytogenetic location: 8p21.3.
Variant type: single nucleotide variant.
Coding change: c.637G>A on transcript NM_001693.4 (MANE Select); coding-DNA position 637, G replaced by A.
Protein change: p.Val213Ile; replaces valine 213 with isoleucine.
Molecular consequence: missense variant.
Genome position (GRCh38, 1-based): chr8:20,211,685, G>A. VCF-style: chr8-20211685-G-A. GRCh37 (hg19) VCF-style: chr8-20069196-G-A.
Other names: short protein forms V213I.
Identifiers: ClinVar variation 4281587 (VCV004281587.7).
Genomic context (GRCh38, chr8:20,211,685, plus strand): 5'-ACTGAATTCTTCTACTTTGTTCATCAGATTGCAGCTCAGATCTGTCGCCAGGCTGGTTTG[G>A]TAAAGAAATCCAAAGATGTAGTAGACTACAGTGAGGAAAATTTTGCAATTGTATTTGCTG-3'
Protein context (NP_001684.2, residues 203-223): AAQICRQAGL[Val213Ile]KKSKDVVDYS

ClinVar aggregate classification (germline): Uncertain significance (1 of 4 stars; one submission).

gnomAD v4.1: 2 of 1,612,684 alleles (0.00012%); highest among the groups gnomAD compares: Admixed American, 0.0017%; no homozygotes.

Submission:

CeGaT Center for Human Genetics Tuebingen
Classification: Uncertain significance. Last evaluated: 2025-09-01. Review status: criteria provided, single submitter. Criteria: CeGaT Center For Human Genetics Tuebingen Variant Classification Criteria Version 2. Collection method: clinical testing. Allele origin: germline. Affected: yes. Observed: 1 variant allele.
Comment: ATP6V1B2: PM2